The following is an entry in ClinVar:

NM_000117.3(EMD):c.643del (p.Ala215fs)

Gene: EMD (emerin; plus strand). Cytogenetic location: Xq28.
Variant type: Deletion.
Coding change: c.643del on transcript NM_000117.3 (MANE Select); coding-DNA position 643, one base deleted (G; older notation c.643delG).
Protein change: p.Ala215fs; shifts the reading frame from alanine 215.
Molecular consequence: frameshift variant.
Genome position (GRCh38, 1-based): chrX:154,381,075, G deleted; the last of 4 consecutive G bases (chrX:154,381,072-154,381,075); deleting any one gives the same sequence. VCF-style (leftmost placement, unchanged base first): chrX-154381071-TG-T. GRCh37 (hg19) VCF-style: chrX-153609431-TG-T.
Other names: short protein forms A215fs.
Identifiers: ClinVar variation 2858775 (VCV002858775.3), dbSNP rs2522790590, ClinGen allele CA2739273889.

ClinVar aggregate classification (germline): Pathogenic (1 of 4 stars; one submission).

Conditions:
X-linked Emery-Dreifuss muscular dystrophy. Also called: Muscular dystrophy, tardive Emery-Dreifuss type, with contractures. Identifiers: Orphanet 261, Orphanet 98863, MedGen C0751337, MONDO:0010680.

Submission:

Labcorp Genetics (formerly Invitae), Labcorp
Classification: Pathogenic for X-linked Emery-Dreifuss muscular dystrophy. Last evaluated: 2023-04-24. Review status: criteria provided, single submitter. Criteria: Invitae Variant Classification Sherloc (09022015). Collection method: clinical testing. Allele origin: germline.
Comment: For these reasons, this variant has been classified as Pathogenic. This variant disrupts a region of the EMD protein in which other variant(s) (p.Trp226*) have been determined to be pathogenic (PMID: 8589715, 15967842). This suggests that this is a clinically significant region of the protein, and that variants that disrupt it are likely to be disease-causing. This variant has not been reported in the literature in individuals affected with EMD-related conditions. This variant is not present in population databases (gnomAD no frequency). This sequence change creates a premature translational stop signal (p.Ala215Leufs*22) in the EMD gene. While this is not anticipated to result in nonsense mediated decay, it is expected to disrupt the last 40 amino acid(s) of the EMD protein.

Literature cited by the submitters: PubMed 8589715; PubMed 15967842.